The following is an entry in ClinVar:

ClinVar aggregate classification (germline): Likely benign. Review status: criteria provided, multiple submitters, no conflicts (2 of 4 stars). 2 submissions from 2 submitters: Likely benign (2). Last evaluated 2025-06-19.

Conditions:
Autosomal recessive limb-girdle muscular dystrophy type 2J (LGMDR10). Also called: Limb-girdle muscular dystrophy, type 2J; MUSCULAR DYSTROPHY, LIMB-GIRDLE, AUTOSOMAL RECESSIVE 10. Identifiers: Orphanet 140922, MedGen C1837342, MONDO:0012127, OMIM 608807.
Dilated cardiomyopathy 1G (CMD1G). Identifiers: Orphanet 154, MedGen C1858763, MONDO:0011400, OMIM 604145.

Submissions (2):

Women's Health and Genetics/Laboratory Corporation of America, LabCorp
Classification: Likely benign. Last evaluated: 2025-06-19. Review status: criteria provided, single submitter. Criteria: LabCorp Variant Classification Summary - May 2015. Collection method: clinical testing. Allele origin: germline.
Comment: Variant summary: TTN c.39566-17_39566-15delTCT alters a nucleotide located at a position not widely known to affect splicing. Consensus agreement among computation tools predict no significant impact on normal splicing. However, these predictions have yet to be confirmed by functional studies. The variant allele was found at a frequency of 1.2e-05 in 245474 control chromosomes. The available data on variant occurrences in the general population are insufficient to allow any conclusion about variant significance. To our knowledge, no occurrence of c.39566-17_39566-15delTCT in individuals affected with Autosomal Recessive Titinopathy and no experimental evidence demonstrating its impact on protein function have been reported. ClinVar contains an entry for this variant (Variation ID: 3761426). Based on the evidence outlined above, the variant was classified as likely benign.

Labcorp Genetics (formerly Invitae), Labcorp
Classification: Likely benign for Dilated cardiomyopathy 1G; Autosomal recessive limb-girdle muscular dystrophy type 2J. Last evaluated: 2024-03-20. Review status: criteria provided, single submitter. Criteria: Invitae Variant Classification Sherloc (09022015). Collection method: clinical testing. Allele origin: germline.

NM_001267550.2(TTN):c.47270-23TCT[2]

Genes: TTN-AS1 (TTN antisense RNA 1; plus strand), TTN (titin; minus strand). Cytogenetic location: 2q31.2.
Variant type: Microsatellite.
Coding change: c.47270-23TCT[2] on transcript NM_001267550.2 (MANE Select); two copies in a row of the 3-base unit TCT starting at c.47270-23; the reference has three copies in a row; one copy, 3 bases deleted.
Molecular consequence: intron variant.
Genome position (GRCh38, 1-based): chr2:178,618,096-178,618,098, AGA deleted on the plus strand (TCT on the coding strand, the reverse complement: TTN is on the minus strand); deleting any 3 consecutive bases within chr2:178,618,096-178,618,105 gives the same sequence; the position shown is the placement nearest the transcript's 3' end. VCF-style (leftmost placement, unchanged base first): chr2-178618095-CAGA-C. GRCh37 (hg19) VCF-style: chr2-179482822-CAGA-C.
Other names: c.39566-17_39566-15delTCT (NM_133378.4); c.20075-23TCT[2] (NM_003319.4); c.20651-23TCT[2] (NM_133437.4); c.20450-23TCT[2] (NM_133432.3); c.39566-23TCT[2] (NM_133378.4); c.42347-23TCT[2] (NM_001256850.1).
Identifiers: ClinVar variation 3761426 (VCV003761426.3).